The following is an entry in ClinVar:

ClinVar aggregate classification (germline): Uncertain significance. Review status: criteria provided, multiple submitters, no conflicts (2 of 4 stars). 5 submissions from 5 submitters: Uncertain significance (5). Last evaluated 2026-09-03.

Conditions:
Emery-Dreifuss muscular dystrophy 4, autosomal dominant (EDMD4). Also called: EMERY-DREIFUSS MUSCULAR DYSTROPHY 4 WITH VARIABLE FEATURES. Identifiers: Orphanet 261, MedGen C2751807, MONDO:0013071, OMIM 612998.
Autosomal recessive ataxia, Beauce type. Also called: SYNE1 Deficiency; ATAXIA, RECESSIVE, OF BEAUCE; SYNE1-Related Autosomal Recessive Cerebellar Ataxia; Spinocerebellar ataxia, autosomal recessive 8. Identifiers: Orphanet 88644, MedGen C1853116, MONDO:0012549, OMIM 610743.

Allele frequency attached by ClinVar (database versions not stated): gnomAD 0.00001; TOPMed 0.00001; gnomAD exomes 0.00002 and 0.00004; ExAC 0.00003; ESP Exome Variant Server 0.00008.
gnomAD v4.1: 62 of 1,613,848 alleles (0.0038%); highest among the groups gnomAD compares: Non-Finnish European, 0.0052%; no homozygotes.

Submissions (5):

GeneDx
Classification: Uncertain significance. Last evaluated: 2026-09-03. Review status: criteria provided, single submitter. Criteria: GeneDx Variant Classification Process June 2021. Collection method: clinical testing. Allele origin: germline.
Comment: Not observed at significant frequency in large population cohorts (gnomAD); In silico analysis supports that this missense variant has a deleterious effect on protein structure/function; Has not been previously published as pathogenic or benign to our knowledge

Revvity Omics, Revvity
Classification: Uncertain significance. Last evaluated: 2022-05-25. Review status: criteria provided, single submitter. Criteria: ACMG Guidelines, 2015. Collection method: clinical testing. Allele origin: germline.

Labcorp Genetics (formerly Invitae), Labcorp
Classification: Uncertain significance for Emery-Dreifuss muscular dystrophy 4, autosomal dominant; Autosomal recessive ataxia, Beauce type. Last evaluated: 2022-02-23. Review status: criteria provided, single submitter. Criteria: Invitae Variant Classification Sherloc (09022015). Collection method: clinical testing. Allele origin: germline.
Comment: This sequence change replaces aspartic acid, which is acidic and polar, with asparagine, which is neutral and polar, at codon 6385 of the SYNE1 protein (p.Asp6385Asn). This variant is present in population databases (rs376421422, gnomAD 0.004%). This variant has not been reported in the literature in individuals affected with SYNE1-related conditions. ClinVar contains an entry for this variant (Variation ID: 287790). Algorithms developed to predict the effect of missense changes on protein structure and function are either unavailable or do not agree on the potential impact of this missense change (SIFT: "Deleterious"; PolyPhen-2: "Possibly Damaging"; Align-GVGD: "Class C0"). In summary, the available evidence is currently insufficient to determine the role of this variant in disease. Therefore, it has been classified as a Variant of Uncertain Significance.

Blueprint Genetics
Classification: Uncertain significance. Last evaluated: 2020-08-05. Review status: criteria provided, single submitter. Criteria: ACMG Guidelines, 2015. Collection method: clinical testing. Allele origin: germline.

Eurofins Ntd Llc (ga)
Classification: Uncertain significance. Last evaluated: 2016-05-13. Review status: criteria provided, single submitter. Criteria: EGL Classification Definitions 2015. Collection method: clinical testing. Allele origin: germline. Observed: 1 variant allele, 1 heterozygote.

NM_182961.4(SYNE1):c.19366G>A (p.Asp6456Asn)

Gene: SYNE1 (spectrin repeat containing nuclear envelope protein 1; minus strand). Cytogenetic location: 6q25.2.
Variant type: single nucleotide variant.
Coding change: c.19366G>A on transcript NM_182961.4 (MANE Select); coding-DNA position 19366, G replaced by A.
Protein change: p.Asp6456Asn; replaces aspartic acid 6456 with asparagine.
Molecular consequence: missense variant.
Genome position (GRCh38, 1-based): chr6:152,254,984, C>T on the plus strand (G>A on the coding strand, the complement: SYNE1 is on the minus strand). VCF-style: chr6-152254984-C-T. GRCh37 (hg19) VCF-style: chr6-152576119-C-T.
Other names: c.19153G>A, p.Asp6385Asn (NM_033071.5); c.19153G>A (NM_033071.3); short protein forms D6385N, D6456N.
Identifiers: ClinVar variation 287790 (VCV000287790.12), dbSNP rs376421422, ClinGen allele CA4054692.